The following is an entry in ClinVar:

ClinVar aggregate classification (germline): Uncertain significance (1 of 4 stars; one submission).

Allele frequency attached by ClinVar (database versions not stated): gnomAD exomes below 0.00001; gnomAD 0.00001; TOPMed 0.00002.
gnomAD v4.1: 3 of 1,551,128 alleles (0.00019%); highest among the groups gnomAD compares: African/African-American, 0.0041%; no homozygotes.

Submission:

Labcorp Genetics (formerly Invitae), Labcorp
Classification: Uncertain significance. Last evaluated: 2022-02-20. Review status: criteria provided, single submitter. Criteria: Invitae Variant Classification Sherloc (09022015). Collection method: clinical testing. Allele origin: germline.
Comment: In summary, the available evidence is currently insufficient to determine the role of this variant in disease. Therefore, it has been classified as a Variant of Uncertain Significance. Algorithms developed to predict the effect of missense changes on protein structure and function (SIFT, PolyPhen-2, Align-GVGD) all suggest that this variant is likely to be tolerated. This variant has not been reported in the literature in individuals affected with ZSWIM6-related conditions. The frequency data for this variant in the population databases is considered unreliable, as metrics indicate poor data quality at this position in the gnomAD database. This sequence change replaces isoleucine, which is neutral and non-polar, with threonine, which is neutral and polar, at codon 788 of the ZSWIM6 protein (p.Ile788Thr).

NM_020928.2(ZSWIM6):c.2363T>C (p.Ile788Thr)

Gene: ZSWIM6 (zinc finger SWIM-type containing 6; plus strand). Cytogenetic location: 5q12.1.
Variant type: single nucleotide variant.
Coding change: c.2363T>C on transcript NM_020928.2 (MANE Select); coding-DNA position 2363, T replaced by C.
Protein change: p.Ile788Thr; replaces isoleucine 788 with threonine.
Molecular consequence: missense variant.
Genome position (GRCh38, 1-based): chr5:61,535,601, T>C. VCF-style: chr5-61535601-T-C. GRCh37 (hg19) VCF-style: chr5-60831428-T-C.
Other names: short protein forms I788T.
Identifiers: ClinVar variation 1928537 (VCV001928537.5), dbSNP rs941362047, ClinGen allele CA119663433.